The following is an entry in ClinVar:

ClinVar aggregate classification (germline): Uncertain significance. Review status: criteria provided, multiple submitters, no conflicts (2 of 4 stars). 5 submissions from 5 submitters: Uncertain significance (5). Last evaluated 2025-05-07.

Conditions:
Pituitary hormone deficiency, combined, 2. Also called: ATELIOTIC DWARFISM WITH HYPOGONADISM; HANHART DWARFISM; PITUITARY DWARFISM III; PROP1-Related Combined Pituitary Hormone Deficiency. Identifiers: MedGen C0878683, MONDO:0009878, OMIM 262600.
Inborn genetic diseases. Identifiers: MedGen C0950123, MeSH D030342.

Allele frequency attached by ClinVar (database versions not stated): TOPMed 0.00008; gnomAD 0.00011; ESP Exome Variant Server 0.00015.

Submissions (5):

Ambry Genetics
Classification: Uncertain significance for Inborn genetic diseases. Last evaluated: 2025-05-07. Review status: criteria provided, single submitter. Criteria: Ambry Variant Classification Scheme 2023. Collection method: clinical testing. Allele origin: germline.

CeGaT Center for Human Genetics Tuebingen
Classification: Uncertain significance. Last evaluated: 2025-04-01. Review status: criteria provided, single submitter. Criteria: CeGaT Center For Human Genetics Tuebingen Variant Classification Criteria Version 2. Collection method: clinical testing. Allele origin: germline. Affected: yes. Observed: 3 variant alleles.
Comment: PROP1: PM2, BP4

GeneDx
Classification: Uncertain significance. Last evaluated: 2024-08-29. Review status: criteria provided, single submitter. Criteria: GeneDx Variant Classification Process June 2021. Collection method: clinical testing. Allele origin: germline. Affected: yes.
Comment: In silico analysis indicates that this missense variant does not alter protein structure/function; Has not been previously published as pathogenic or benign to our knowledge

Fulgent Genetics
Classification: Uncertain significance for Pituitary hormone deficiency, combined, 2. Last evaluated: 2022-04-13. Review status: criteria provided, single submitter. Criteria: ACMG Guidelines, 2015. Collection method: clinical testing. Allele origin: unknown.

Illumina Laboratory Services, Illumina
Classification: Uncertain significance for Pituitary hormone deficiency, combined, 2. Last evaluated: 2018-01-13. Review status: criteria provided, single submitter. Criteria: ICSL Variant Classification Criteria 13 December 2019. Collection method: clinical testing. Allele origin: germline.

NM_006261.5(PROP1):c.46C>G (p.Arg16Gly)

Gene: PROP1 (PROP paired-like homeobox 1; minus strand). Cytogenetic location: 5q35.3.
Variant type: single nucleotide variant.
Coding change: c.46C>G on transcript NM_006261.5 (MANE Select); coding-DNA position 46, C replaced by G.
Protein change: p.Arg16Gly; replaces arginine 16 with glycine.
Molecular consequence: missense variant.
Genome position (GRCh38, 1-based): chr5:177,995,888, G>C on the plus strand (C>G on the coding strand, the complement: PROP1 is on the minus strand). VCF-style: chr5-177995888-G-C. GRCh37 (hg19) VCF-style: chr5-177422889-G-C.
Other names: short protein forms R16G.
Identifiers: ClinVar variation 905418 (VCV000905418.32), dbSNP rs140016178, ClinGen allele CA3587654.